The following is an entry in ClinVar:

NM_015141.4(GPD1L):c.685G>A (p.Val229Ile)

Gene: GPD1L (glycerol-3-phosphate dehydrogenase 1 like; plus strand). Cytogenetic location: 3p22.3.
Variant type: single nucleotide variant.
Coding change: c.685G>A on transcript NM_015141.4 (MANE Select); coding-DNA position 685, G replaced by A.
Protein change: p.Val229Ile; replaces valine 229 with isoleucine.
Molecular consequence: missense variant.
Genome position (GRCh38, 1-based): chr3:32,158,942, G>A. VCF-style: chr3-32158942-G-A. GRCh37 (hg19) VCF-style: chr3-32200434-G-A.
Other names: short protein forms V229I.
Identifiers: ClinVar variation 532104 (VCV000532104.9), dbSNP rs757614405, ClinGen allele CA2296725.

ClinVar aggregate classification (germline): Conflicting classifications of pathogenicity. Review status: criteria provided, conflicting classifications (1 of 4 stars). 3 submissions from 3 submitters: Uncertain significance (2); Benign (1). Last evaluated 2025-12-09.

Conditions:
Brugada syndrome. Also called: Sudden Unexplained Death Syndrome; Sudden Unexplained Nocturnal Death Syndrome (SUNDS); Sudden unexplained nocturnal death syndrome; Sudden unexpected nocturnal death syndrome. Identifiers: Orphanet 130, MedGen C1142166, MONDO:0015263.
Cardiovascular phenotype. Identifiers: MedGen CN230736.

Allele frequency attached by ClinVar (database versions not stated): gnomAD 0.00001; ExAC 0.00003; TOPMed 0.00005; gnomAD exomes 0.00008.

Submissions (3):

Labcorp Genetics (formerly Invitae), Labcorp
Classification: Uncertain significance for Brugada syndrome. Last evaluated: 2025-12-09. Review status: criteria provided, single submitter. Criteria: Invitae Variant Classification Sherloc (09022015). Collection method: clinical testing. Allele origin: germline.
Comment: This sequence change replaces valine, which is neutral and non-polar, with isoleucine, which is neutral and non-polar, at codon 229 of the GPD1L protein (p.Val229Ile). This variant is present in population databases (rs757614405, gnomAD 0.05%). This variant has not been reported in the literature in individuals affected with GPD1L-related conditions. ClinVar contains an entry for this variant (Variation ID: 532104). Invitae Evidence Modeling of protein sequence and biophysical properties (such as structural, functional, and spatial information, amino acid conservation, physicochemical variation, residue mobility, and thermodynamic stability) indicates that this missense variant is not expected to disrupt GPD1L protein function with a negative predictive value of 80%. In summary, the available evidence is currently insufficient to determine the role of this variant in disease. Therefore, it has been classified as a Variant of Uncertain Significance.

Ambry Genetics
Classification: Benign for Cardiovascular phenotype. Last evaluated: 2024-10-11. Review status: criteria provided, single submitter. Criteria: Ambry Variant Classification Scheme 2023. Collection method: clinical testing. Allele origin: germline.

GeneDx
Classification: Uncertain significance. Last evaluated: 2022-11-17. Review status: criteria provided, single submitter. Criteria: GeneDx Variant Classification Process June 2021. Collection method: clinical testing. Allele origin: germline. Affected: yes.
Comment: In silico analysis supports that this missense variant does not alter protein structure/function; Has not been previously published as pathogenic or benign to our knowledge